The following is an entry in ClinVar:

NM_006514.4(SCN10A):c.1534C>T (p.Arg512Ter)

Gene: SCN10A (sodium voltage-gated channel alpha subunit 10; minus strand). Cytogenetic location: 3p22.2.
Variant type: single nucleotide variant.
Coding change: c.1534C>T on transcript NM_006514.4 (MANE Select); coding-DNA position 1534, C replaced by T.
Protein change: p.Arg512Ter; replaces arginine 512 with a stop codon.
Molecular consequence: nonsense. On other transcripts: intron variant (1).
Genome position (GRCh38, 1-based): chr3:38,752,440, G>A on the plus strand (C>T on the coding strand, the complement: SCN10A is on the minus strand). VCF-style: chr3-38752440-G-A. GRCh37 (hg19) VCF-style: chr3-38793931-G-A.
Other names: c.1534C>T, p.Arg512Ter (NM_001293306.2); c.1462-2256C>T (NM_001293307.2); short protein forms R512*.
Identifiers: ClinVar variation 809464 (VCV000809464.50), dbSNP rs200714519, ClinGen allele CA2320814.

ClinVar aggregate classification (germline): Uncertain significance. Review status: criteria provided, multiple submitters, no conflicts (2 of 4 stars). 3 submissions from 3 submitters: Uncertain significance (3). Last evaluated 2025-01-13.

Conditions:
Brugada syndrome. Also called: Sudden unexpected nocturnal death syndrome; Sudden Unexplained Death Syndrome; Sudden Unexplained Nocturnal Death Syndrome (SUNDS); Sudden unexplained nocturnal death syndrome. Identifiers: Orphanet 130, MedGen C1142166, MONDO:0015263.
Cardiovascular phenotype. Identifiers: MedGen CN230736.

Allele frequency attached by ClinVar (database versions not stated): gnomAD 0.00003; TOPMed 0.00004; 1000 Genomes Project 0.00020; ESP Exome Variant Server 0.00023; 1000 Genomes Project 30x 0.00031.
gnomAD v4.1: 81 of 1,612,932 alleles (0.005%); highest among the groups gnomAD compares: Middle Eastern, 0.017%; no homozygotes.

Submissions (3):

Ambry Genetics
Classification: Uncertain significance for Cardiovascular phenotype. Last evaluated: 2025-01-13. Review status: criteria provided, single submitter. Criteria: Ambry Variant Classification Scheme 2023. Collection method: clinical testing. Allele origin: germline.
Comment: The p.R512* variant (also known as c.1534C>T), located in coding exon 11 of the SCN10A gene, results from a C to T substitution at nucleotide position 1534. This changes the amino acid from an arginine to a stop codon within coding exon 11. This alteration is expected to result in loss of function by premature protein truncation or nonsense-mediated mRNA decay. However, loss of function of SCN10A has not been clearly established as a mechanism of disease. The evidence for this gene-disease relationship is limited; therefore, the clinical significance of this alteration is unclear.

CeGaT Center for Human Genetics Tuebingen
Classification: Uncertain significance. Last evaluated: 2024-10-01. Review status: criteria provided, single submitter. Criteria: CeGaT Center For Human Genetics Tuebingen Variant Classification Criteria Version 2. Collection method: clinical testing. Allele origin: germline. Affected: yes. Observed: 2 variant alleles.

Labcorp Genetics (formerly Invitae), Labcorp
Classification: Uncertain significance for Brugada syndrome. Last evaluated: 2024-07-30. Review status: criteria provided, single submitter. Criteria: Invitae Variant Classification Sherloc (09022015). Collection method: clinical testing. Allele origin: germline.
Comment: This sequence change creates a premature translational stop signal (p.Arg512*) in the SCN10A gene. It is expected to result in an absent or disrupted protein product. However, the current clinical and genetic evidence is not sufficient to establish whether loss-of-function variants in SCN10A cause disease. This variant is present in population databases (rs200714519, gnomAD 0.004%). This premature translational stop signal has been observed in individual(s) with clinical features of SCN10A-related conditions (PMID: 34385907). ClinVar contains an entry for this variant (Variation ID: 809464). In summary, the available evidence is currently insufficient to determine the role of this variant in disease. Therefore, it has been classified as a Variant of Uncertain Significance.

Literature cited by the submitters: PubMed 34385907 (cited by Labcorp Genetics (formerly Invitae), Labcorp).